The following is an entry in ClinVar:

NM_181458.4(PAX3):c.422_423insTCCTTTCTCTGTCTCCACAAGCAGCAGTGCCTGTGTCACCTGTTACATCTTGGGACAGAGACCACAGCAGCGGCAGG (p.Val142fs)

Gene: PAX3 (paired box 3; minus strand). Cytogenetic location: 2q36.1.
Variant type: Insertion.
Coding change: c.422_423insTCCTTTCTCTGTCTCCACAAGCAGCAGTGCCTGTGTCACCTGTTACATCTTGGGACAGAGACCACAGCAGCGGCAGG on transcript NM_181458.4 (MANE Select); coding-DNA positions 422 to 423, TCCTTTCTCTGTCTCCACAAGCAGCAGTGCCTGTGTCACCTGTTACATCTTGGGACAGAGACCACAGCAGCGGCAGG inserted.
Protein change: p.Val142fs; shifts the reading frame from valine 142.
Molecular consequence: frameshift variant.
Genome position: GRCh38: chr2:222,295,556-222,295,557. GRCh37 (hg19): chr2:223,160,275-223,160,276.
Other names: c.422_423insTCCTTTCTCTGTCTCCACAAGCAGCAGTGCCTGTGTCACCTGTTACATCTTGGGACAGAGACCACAGCAGCGGCAGG, p.Val142fs (NM_000438.6, NM_013942.5, NM_181457.4 and 3 more transcripts); c.419_420insTCCTTTCTCTGTCTCCACAAGCAGCAGTGCCTGTGTCACCTGTTACATCTTGGGACAGAGACCACAGCAGCGGCAGG, p.Val141fs (NM_001127366.3); short protein forms V141fs, V142fs.
Identifiers: ClinVar variation 4823899 (VCV004823899.1).

ClinVar aggregate classification (germline): Likely pathogenic (1 of 4 stars; one submission).

Conditions:
Waardenburg syndrome type 1 (WS1). Also called: Waardenburg Syndrome Type I; WAARDENBURG SYNDROME WITH DYSTOPIA CANTHORUM. Identifiers: Orphanet 894, MedGen C1847800, MONDO:0008670, OMIM 193500.

Submission:

Genetic Medicine of African Populations, University of Cape Town
Classification: Likely pathogenic for Waardenburg syndrome type 1. Last evaluated: 2025-11-30. Review status: criteria provided, single submitter. Criteria: ACMG Guidelines, 2015. Collection method: research. Allele origin: inherited. Inheritance: Autosomal dominant inheritance. Affected: yes. Observed: 6 variant alleles. Clinical features observed: Congenital sensorineural hearing impairment (HP:0008527), Heterochromia iridis (HP:0001100).
Comment: This NM_001127366.3: c.419_420insTCCTTTCTCTGTCTCCACAAGCAGCAGTGCCTGTGTCACCTGTTACATCTTGGGACAGAGACCACAGCAGCGGCAGG nonsense variant in PAX3 is predicted to cause a premature stop codon at position 178, and likely to result in reduced, absent, or disrupted protein product (PVS1). The variant has been identified as a de novo occurrence, without confirmation of paternity and maternity, in one individual with a highly specific phenotype and in one individual with a phenotype consistent with the gene and highly specific (Waardenburg syndrome) (PM6). In summary, the variant meets the criteria to be classified as Likely Pathogenic for Waardenburg syndrome on the ACMG/AMP criteria applied (PVS1, PP4, PM6).